The following is an entry in ClinVar:

NM_002769.5(PRSS1):c.40C>A (p.Leu14Ile)

Genes: PRSS1 (serine protease 1; plus strand), TRB (T cell receptor beta locus; plus strand). Cytogenetic location: 7q34.
Variant type: single nucleotide variant.
Coding change: c.40C>A on transcript NM_002769.5 (MANE Select); coding-DNA position 40, C replaced by A.
Protein change: p.Leu14Ile; replaces leucine 14 with isoleucine.
Molecular consequence: missense variant. On other transcripts: non-coding transcript variant (5).
Genome position (GRCh38, 1-based): chr7:142,749,524, C>A. VCF-style: chr7-142749524-C-A. GRCh37 (hg19) VCF-style: chr7-142457375-C-A.
Other names: short protein forms L14I.
Identifiers: ClinVar variation 1737824 (VCV001737824.2), dbSNP rs747228052, ClinGen allele CA369607007.

ClinVar aggregate classification (germline): Uncertain significance (1 of 4 stars; one submission).

Conditions:
Hereditary pancreatitis (PCTT). Also called: Hereditary chronic pancreatitis; PRSS1-Related Hereditary Pancreatitis. Identifiers: Orphanet 676, MedGen C0238339, MONDO:0008185, OMIM 167800.

Submission:

Ambry Genetics
Classification: Uncertain significance for Hereditary pancreatitis. Last evaluated: 2020-11-12. Review status: criteria provided, single submitter. Criteria: Ambry Variant Classification Scheme 2023. Collection method: clinical testing. Allele origin: germline.
Comment: The p.L14I variant (also known as c.40C>A), located in coding exon 1 of the PRSS1 gene, results from a C to A substitution at nucleotide position 40. The leucine at codon 14 is replaced by isoleucine, an amino acid with highly similar properties. This amino acid position is poorly conserved in available vertebrate species. In addition, this alteration is predicted to be tolerated by in silico analysis. Since supporting evidence is limited at this time, the clinical significance of this alteration remains unclear.